The following is an entry in ClinVar:

NM_001768.7(CD8A):c.698G>C (p.Arg233Thr)

Gene: CD8A (CD8 subunit alpha; minus strand). Cytogenetic location: 2p11.2.
Variant type: single nucleotide variant.
Coding change: c.698G>C on transcript NM_001768.7 (MANE Select); coding-DNA position 698, G replaced by C.
Protein change: p.Arg233Thr; replaces arginine 233 with threonine.
Molecular consequence: missense variant. On other transcripts: non-coding transcript variant (5).
Genome position (GRCh38, 1-based): chr2:86,785,930, C>G on the plus strand (G>C on the coding strand, the complement: CD8A is on the minus strand). VCF-style: chr2-86785930-C-G. GRCh37 (hg19) VCF-style: chr2-87013053-C-G.
Other names: c.698G>C, p.Arg233Thr (NM_001145873.1, NM_001382698.1); c.587G>C, p.Arg196Thr (NM_171827.4); short protein forms R196T, R233T.
Identifiers: ClinVar variation 958545 (VCV000958545.10), dbSNP rs768517196, ClinGen allele CA1751071.
Genomic context (GRCh38, chr2:86,785,930, plus strand): 5'-TCAAAAGGAAGGATCTCAGTTTGAAGTAATGTAGTGGCTGTTGCACAGGGTTAGACGTAT[C>G]TCGCCGAAAGGCTGGGCTTGTCTCCCGATTTGACCACAGGCCTGAAAGAGAGGAAAGCGA-3'
Protein context (NP_001759.3, residues 223-235): KSGDKPSLSA[Arg233Thr]YV

ClinVar aggregate classification (germline): Uncertain significance (1 of 4 stars; one submission).

Conditions:
Susceptibility to respiratory infections associated with CD8alpha chain mutation (IMD116). Also called: IMMUNODEFICIENCY 116; Cd8 deficiency, familial. Identifiers: Orphanet 169085, MedGen C1837065, MONDO:0012161, OMIM 608957.

Allele frequency attached by ClinVar (database versions not stated): gnomAD 0.00001; ExAC 0.00002; gnomAD exomes 0.00002; TOPMed 0.00003.
gnomAD v4.1: 93 of 1,613,200 alleles (0.0058%); highest among the groups gnomAD compares: Non-Finnish European, 0.0076%; no homozygotes.

Submission:

Labcorp Genetics (formerly Invitae), Labcorp
Classification: Uncertain significance for Susceptibility to respiratory infections associated with CD8alpha chain mutation. Last evaluated: 2021-03-08. Review status: criteria provided, single submitter. Criteria: Invitae Variant Classification Sherloc (09022015). Collection method: clinical testing. Allele origin: germline.
Comment: In summary, the available evidence is currently insufficient to determine the role of this variant in disease. Therefore, it has been classified as a Variant of Uncertain Significance. This sequence change replaces arginine with threonine at codon 233 of the CD8A protein (p.Arg233Thr). The arginine residue is moderately conserved and there is a moderate physicochemical difference between arginine and threonine. This variant is present in population databases (rs768517196, ExAC 0.004%). This variant has not been reported in the literature in individuals with CD8A-related conditions. Algorithms developed to predict the effect of missense changes on protein structure and function are either unavailable or do not agree on the potential impact of this missense change (SIFT: "Tolerated"; PolyPhen-2: "Possibly Damaging"; Align-GVGD: "Class C0").